The following is an entry in ClinVar:

NM_001371279.1(REEP1):c.*1398G>A

Gene: REEP1 (receptor accessory protein 1; minus strand). Cytogenetic location: 2p11.2.
Variant type: single nucleotide variant.
Coding change: c.*1398G>A on transcript NM_001371279.1 (MANE Select); 1398 bases downstream of the stop codon, G replaced by A.
Molecular consequence: 3 prime UTR variant.
Genome position (GRCh38, 1-based): chr2:86,215,641, C>T on the plus strand (G>A on the coding strand, the complement: REEP1 is on the minus strand). VCF-style: chr2-86215641-C-T. GRCh37 (hg19) VCF-style: chr2-86442764-C-T.
Other names: c.*1459G>A (NM_001164730.2, NM_001164731.2, NM_022912.3); c.*1398G>A (NM_001164732.2, NM_001371280.1).
Identifiers: ClinVar variation 896864 (VCV000896864.4), dbSNP rs577908626, ClinGen allele CA51355972.

ClinVar aggregate classification (germline): Benign (1 of 4 stars; one submission).

Conditions:
Hereditary spastic paraplegia 31. Also called: SPASTIC PARAPLEGIA 31, AUTOSOMAL DOMINANT. Identifiers: Orphanet 101011, MedGen C1853247, MONDO:0012453, OMIM 610250.

Allele frequency attached by ClinVar (database versions not stated): 1000 Genomes Project 30x 0.00125; 1000 Genomes Project 0.00140; gnomAD 0.00194 and 0.00217; TOPMed 0.00196.

Submission:

Illumina Laboratory Services, Illumina
Classification: Benign for Hereditary spastic paraplegia 31. Last evaluated: 2018-01-13. Review status: criteria provided, single submitter. Criteria: ICSL Variant Classification Criteria 13 December 2019. Collection method: clinical testing. Allele origin: germline.
Comment: This variant was observed in the ICSL laboratory as part of a predisposition screen in an ostensibly healthy population. It had not been previously curated by ICSL or reported in the Human Gene Mutation Database (HGMD: prior to June 1st, 2018), and was therefore a candidate for classification through an automated scoring system. Utilizing variant allele frequency, disease prevalence and penetrance estimates, and inheritance mode, an automated score was calculated to assess if this variant is too frequent to cause the disease. Based on the score and internal cut-off values, a variant classified as benign is not then subjected to further curation. The score for this variant resulted in a classification of benign for this disease.